The following is an entry in ClinVar:

ClinVar aggregate classification (germline): Likely benign. Review status: criteria provided, single submitter (1 of 4 stars). 2 submissions from 2 submitters: Likely benign (1). 1 of the submissions does not count toward it. Last evaluated 2025-06-16.

Conditions:
BMP7-related disorder. Also called: BMP7-related condition.

Allele frequency attached by ClinVar (database versions not stated): ExAC 0.00008; gnomAD 0.00010; TOPMed 0.00011.
gnomAD v4.1: 228 of 1,613,858 alleles (0.014%); highest among the groups gnomAD compares: Non-Finnish European, 0.017%; no homozygotes.

Submissions (2):

Labcorp Genetics (formerly Invitae), Labcorp
Classification: Likely benign. Last evaluated: 2025-06-16. Review status: criteria provided, single submitter. Criteria: Invitae Variant Classification Sherloc (09022015). Collection method: clinical testing. Allele origin: germline.

PreventionGenetics, part of Exact Sciences
Classification: Likely benign for BMP7-related condition. Last evaluated: 2024-07-25. Review status: no assertion criteria provided. Collection method: clinical testing. Allele origin: germline. Not counted in ClinVar's aggregate classification.
Comment: This variant is classified as likely benign based on ACMG/AMP sequence variant interpretation guidelines (Richards et al. 2015 PMID: 25741868, with internal and published modifications).

NM_001719.3(BMP7):c.516C>T (p.Ala172=)

Gene: BMP7 (bone morphogenetic protein 7; minus strand). Cytogenetic location: 20q13.31.
Variant type: single nucleotide variant.
Coding change: c.516C>T on transcript NM_001719.3 (MANE Select); coding-DNA position 516, C replaced by T.
Protein change: p.Ala172=; no amino-acid change (alanine 172 retained).
Molecular consequence: synonymous variant.
Genome position (GRCh38, 1-based): chr20:57,228,324, G>A on the plus strand (C>T on the coding strand, the complement: BMP7 is on the minus strand). VCF-style: chr20-57228324-G-A. GRCh37 (hg19) VCF-style: chr20-55803380-G-A.
Other names: c.516C>T (NM_001719.2).
Identifiers: ClinVar variation 2154682 (VCV002154682.5), dbSNP rs111656769, ClinGen allele CA9919806.